The following is an entry in ClinVar:

NM_001040142.2(SCN2A):c.3064C>T (p.Arg1022Cys)

Gene: SCN2A (sodium voltage-gated channel alpha subunit 2; plus strand). Cytogenetic location: 2q24.3.
Variant type: single nucleotide variant.
Coding change: c.3064C>T on transcript NM_001040142.2 (MANE Select); coding-DNA position 3064, C replaced by T.
Protein change: p.Arg1022Cys; replaces arginine 1022 with cysteine.
Molecular consequence: missense variant.
Genome position (GRCh38, 1-based): chr2:165,354,336, C>T. VCF-style: chr2-165354336-C-T. GRCh37 (hg19) VCF-style: chr2-166210846-C-T.
Other names: c.3064C>T, p.Arg1022Cys (NM_001040143.2, NM_001371246.1, NM_001371247.1 and 1 more transcripts); short protein forms R1022C.
Identifiers: ClinVar variation 1393553 (VCV001393553.6), dbSNP rs980593981, ClinGen allele CA59724887.

ClinVar aggregate classification (germline): Uncertain significance (1 of 4 stars; one submission).

Conditions:
Seizures, benign familial infantile, 3 (BFIS3). Also called: Familial neonatal seizures; CONVULSIONS, BENIGN FAMILIAL INFANTILE, 3. Identifiers: Orphanet 140927, Orphanet 306, MedGen C1843140, MONDO:0011904, OMIM 607745.
Developmental and epileptic encephalopathy, 11 (DEE11). Also called: Early infantile epileptic encephalopathy 11. Identifiers: Orphanet 1934, MedGen C3150987, MONDO:0013388, OMIM 613721.

Allele frequency attached by ClinVar (database versions not stated): TOPMed below 0.00001.
gnomAD v4.1: 2 of 1,613,938 alleles (0.00012%); highest among the groups gnomAD compares: Non-Finnish European, 0.00017%; no homozygotes.

Submission:

Labcorp Genetics (formerly Invitae), Labcorp
Classification: Uncertain significance for Seizures, benign familial infantile, 3; Developmental and epileptic encephalopathy, 11. Last evaluated: 2022-02-10. Review status: criteria provided, single submitter. Criteria: Invitae Variant Classification Sherloc (09022015). Collection method: clinical testing. Allele origin: germline.
Comment: In summary, the available evidence is currently insufficient to determine the role of this variant in disease. Therefore, it has been classified as a Variant of Uncertain Significance. Algorithms developed to predict the effect of missense changes on protein structure and function are either unavailable or do not agree on the potential impact of this missense change (SIFT: "Deleterious"; PolyPhen-2: "Possibly Damaging"; Align-GVGD: "Class C0"). This missense change has been observed in individual(s) with clinical features of SCN2A-related conditions (PMID: 32725632). This variant is not present in population databases (gnomAD no frequency). This sequence change replaces arginine, which is basic and polar, with cysteine, which is neutral and slightly polar, at codon 1022 of the SCN2A protein (p.Arg1022Cys).

Literature cited by the submitters: PubMed 32725632.